The following is an entry in ClinVar:

NM_173353.4(TPH2):c.1331C>G (p.Ser444Ter)

Gene: TPH2 (tryptophan hydroxylase 2; plus strand). Cytogenetic location: 12q21.1.
Variant type: single nucleotide variant.
Coding change: c.1331C>G on transcript NM_173353.4 (MANE Select); coding-DNA position 1331, C replaced by G.
Protein change: p.Ser444Ter; replaces serine 444 with a stop codon.
Molecular consequence: nonsense.
Genome position (GRCh38, 1-based): chr12:72,031,553, C>G. VCF-style: chr12-72031553-C-G. GRCh37 (hg19) VCF-style: chr12-72425333-C-G.
Other names: short protein forms S444*.
Identifiers: ClinVar variation 4847108 (VCV004847108.1).

ClinVar aggregate classification (germline): Uncertain significance (1 of 4 stars; one submission).

gnomAD v4.1: 3 of 1,613,642 alleles (0.00019%); highest among the groups gnomAD compares: Non-Finnish European, 0.00025%; no homozygotes.

Submission:

Women's Health and Genetics/Laboratory Corporation of America, LabCorp
Classification: Uncertain significance. Last evaluated: 2026-03-18. Review status: criteria provided, single submitter. Criteria: LabCorp Variant Classification Summary - May 2015. Collection method: clinical testing. Allele origin: germline.
Comment: Variant summary: TPH2 c.1331C>G (p.Ser444X) results in a premature termination codon, predicted to cause a truncation of the encoded protein or absence of the protein due to nonsense mediated decay, however current evidence is not sufficient to establish loss of function as a mechanism for disease. The variant was absent in 251114 control chromosomes. The available data on variant occurrences in the general population are insufficient to allow any conclusion about variant significance. To our knowledge, no occurrence of c.1331C>G in individuals affected with TPH2-related conditions and no experimental evidence demonstrating its impact on protein function have been reported. No submitters have cited clinical-significance assessments for this variant to ClinVar. Based on the evidence outlined above, the variant was classified as uncertain significance.